The following is an entry in ClinVar:

NM_000093.5(COL5A1):c.2425G>T (p.Glu809Ter)

Gene: COL5A1 (collagen type V alpha 1 chain; plus strand). Cytogenetic location: 9q34.3.
Variant type: single nucleotide variant.
Coding change: c.2425G>T on transcript NM_000093.5 (MANE Select); coding-DNA position 2425, G replaced by T.
Protein change: p.Glu809Ter; replaces glutamic acid 809 with a stop codon.
Molecular consequence: nonsense.
Genome position (GRCh38, 1-based): chr9:134,780,141, G>T. VCF-style: chr9-134780141-G-T. GRCh37 (hg19) VCF-style: chr9-137671987-G-T.
Other names: c.2425G>T, p.Glu809Ter (NM_001278074.1); short protein forms E809*.
Identifiers: ClinVar variation 660562 (VCV000660562.8), dbSNP rs1032017865, ClinGen allele CA375453398.
Genomic context (GRCh38, chr9:134,780,141, plus strand): 5'-TTTCTTTTCCCACCCGCACAGGGGGCCGATGGCATCCGTGGTCTGAAGGGCACAAAGGGC[G>T]AGAAGGTAAGTCTCTCCTTGCAGCCACGGGGCCCCCTGCTTAGTCCGGAGCCGAATTCCA-3'

ClinVar aggregate classification (germline): Pathogenic (1 of 4 stars; one submission).

Conditions:
Ehlers-Danlos syndrome, classic type, 1 (EDSCL1). Also called: EDS I; EHLERS-DANLOS SYNDROME, GRAVIS TYPE; EHLERS-DANLOS SYNDROME, SEVERE CLASSIC TYPE; Ehlers-Danlos Syndrome, Classic Type, COL5A1-Related; Ehlers-Danlos syndrome, type 1. Identifiers: MedGen C0268335, MONDO:0019567, OMIM 130000.

Submission:

Labcorp Genetics (formerly Invitae), Labcorp
Classification: Pathogenic for Ehlers-Danlos syndrome, classic type, 1. Last evaluated: 2018-09-06. Review status: criteria provided, single submitter. Criteria: Invitae Variant Classification Sherloc (09022015). Collection method: clinical testing. Allele origin: germline.
Comment: This sequence change creates a premature translational stop signal (p.Glu809*) in the COL5A1 gene. It is expected to result in an absent or disrupted protein product. This variant is not present in population databases (ExAC no frequency). This variant has not been reported in the literature in individuals with COL5A1-related disease. Loss-of-function variants in COL5A1 are known to be pathogenic (PMID: 23587214). For these reasons, this variant has been classified as Pathogenic.

Literature cited by the submitters: PubMed 23587214.